The following is an entry in ClinVar:

ClinVar aggregate classification (germline): Likely benign (1 of 4 stars; one submission).

Submission:

CeGaT Center for Human Genetics Tuebingen
Classification: Likely benign. Last evaluated: 2026-09-01. Review status: criteria provided, single submitter. Criteria: CeGaT Center For Human Genetics Tuebingen Variant Classification Criteria Version 2. Collection method: clinical testing. Allele origin: germline. Affected: yes. Observed: 1 variant allele.
Comment: NDUFA11: PM2:Supporting, BP4, BP7

NM_175614.5(NDUFA11):c.15T>G (p.Val5=)

Genes: NDUFA11 (NADH:ubiquinone oxidoreductase subunit A11; minus strand), LOC112552175 (Sharpr-MPRA regulatory region 9916; plus strand). Cytogenetic location: 19p13.3.
Variant type: single nucleotide variant.
Coding change: c.15T>G on transcript NM_175614.5 (MANE Select); coding-DNA position 15, T replaced by G.
Protein change: p.Val5=; no amino-acid change (valine 5 retained).
Molecular consequence: synonymous variant. On other transcripts: non-coding transcript variant (1).
Genome position (GRCh38, 1-based): chr19:5,903,694, A>C on the plus strand (T>G on the coding strand, the complement: NDUFA11 is on the minus strand). VCF-style: chr19-5903694-A-C. GRCh37 (hg19) VCF-style: chr19-5903705-A-C.
Other names: c.15T>G, p.Val5= (NM_001193375.3).
Identifiers: ClinVar variation 5041788 (VCV005041788.1).